The following is an entry in ClinVar:

ClinVar aggregate classification (germline): Uncertain significance (1 of 4 stars; one submission).

Conditions:
Autosomal recessive limb-girdle muscular dystrophy type 2O. Also called: Limb-Girdle Muscular Dystrophy Type 3C; MUSCULAR DYSTROPHY-DYSTROGLYCANOPATHY (LIMB-GIRDLE), TYPE C, 3; MUSCULAR DYSTROPHY-DYSTROGLYCANOPATHY, LIMB-GIRDLE, POMGNT1-RELATED. Identifiers: Orphanet 206564, MedGen C3150417, MONDO:0013161, OMIM 613157.
Muscular dystrophy-dystroglycanopathy (congenital with impaired intellectual development), type B, 3. Also called: Muscular dystrophy-dystroglycanopathy (congenital with intellectual disability), type B3; MUSCULAR DYSTROPHY, CONGENITAL, POMGNT1-RELATED. Identifiers: MedGen C3150412, MONDO:0013155, OMIM 613151.

Submission:

Labcorp Genetics (formerly Invitae), Labcorp
Classification: Uncertain significance for Autosomal recessive limb-girdle muscular dystrophy type 2O; Muscular dystrophy-dystroglycanopathy (congenital with impaired intellectual development), type B, 3. Last evaluated: 2020-12-20. Review status: criteria provided, single submitter. Criteria: Invitae Variant Classification Sherloc (09022015). Collection method: clinical testing. Allele origin: germline.
Comment: In summary, the available evidence is currently insufficient to determine the role of this variant in disease. Therefore, it has been classified as a Variant of Uncertain Significance. Nucleotide substitutions within the consensus splice site are a relatively common cause of aberrant splicing (PMID: 17576681, 9536098). Algorithms developed to predict the effect of sequence changes on RNA splicing suggest that this variant may disrupt the consensus splice site, but this prediction has not been confirmed by published transcriptional studies. Algorithms developed to predict the effect of missense changes on protein structure and function (SIFT, PolyPhen-2, Align-GVGD) all suggest that this variant is likely to be tolerated, but these predictions have not been confirmed by published functional studies and their clinical significance is uncertain. This variant has not been reported in the literature in individuals with POMGNT1-related conditions. This variant is not present in population databases (ExAC no frequency). This sequence change replaces glutamic acid with lysine at codon 251 of the POMGNT1 protein (p.Glu251Lys). The glutamic acid residue is moderately conserved and there is a small physicochemical difference between glutamic acid and lysine. This variant also falls at the last nucleotide of exon 8, which is part of the consensus splice site for this exon.

Literature cited by the submitters: PubMed 17576681; PubMed 9536098.

NM_017739.4(POMGNT1):c.751G>A (p.Glu251Lys)

Genes: POMGNT1 (protein O-linked mannose N-acetylglucosaminyltransferase 1 (beta 1,2-); minus strand), TSPAN1 (tetraspanin 1; plus strand). Cytogenetic location: 1p34.1.
Variant type: single nucleotide variant.
Coding change: c.751G>A on transcript NM_017739.4 (MANE Select); coding-DNA position 751, G replaced by A.
Protein change: p.Glu251Lys; replaces glutamic acid 251 with lysine.
Molecular consequence: missense variant.
Genome position (GRCh38, 1-based): chr1:46,194,553, C>T on the plus strand (G>A on the coding strand, the complement: POMGNT1 is on the minus strand). VCF-style: chr1-46194553-C-T. GRCh37 (hg19) VCF-style: chr1-46660225-C-T.
Other names: c.751G>A, p.Glu251Lys (NM_001243766.2, NM_001410783.1); c.685G>A, p.Glu229Lys (NM_001290129.3); c.322G>A, p.Glu108Lys (NM_001290130.2); short protein forms E229K, E108K, E251K.
Identifiers: ClinVar variation 1485079 (VCV001485079.8), dbSNP rs2148201993, ClinGen allele CA340183681.